The following is an entry in ClinVar:

NM_014727.3(KMT2B):c.1300C>G (p.Pro434Ala)

Gene: KMT2B (lysine methyltransferase 2B; plus strand). Cytogenetic location: 19q13.12.
Variant type: single nucleotide variant.
Coding change: c.1300C>G on transcript NM_014727.3 (MANE Select); coding-DNA position 1300, C replaced by G.
Protein change: p.Pro434Ala; replaces proline 434 with alanine.
Molecular consequence: missense variant.
Genome position (GRCh38, 1-based): chr19:35,720,647, C>G. VCF-style: chr19-35720647-C-G. GRCh37 (hg19) VCF-style: chr19-36211549-C-G.
Other names: c.1300C>G (NM_014727.2); short protein forms P434A.
Identifiers: ClinVar variation 2797652 (VCV002797652.4), dbSNP rs1262127310, ClinGen allele CA405389884.

ClinVar aggregate classification (germline): Uncertain significance. Review status: criteria provided, multiple submitters, no conflicts (2 of 4 stars). 2 submissions from 2 submitters: Uncertain significance (2). Last evaluated 2026-04-02.

Allele frequency attached by ClinVar (database versions not stated): gnomAD exomes below 0.00001; TOPMed below 0.00001; gnomAD 0.00001.

Submissions (2):

GeneDx
Classification: Uncertain significance. Last evaluated: 2026-04-02. Review status: criteria provided, single submitter. Criteria: GeneDx Variant Classification Process June 2021. Collection method: clinical testing. Allele origin: germline.
Comment: Not observed at significant frequency in large population cohorts (gnomAD); In silico analysis suggests that this missense variant does not alter protein structure/function; Has not been previously published as pathogenic or benign to our knowledge

Labcorp Genetics (formerly Invitae), Labcorp
Classification: Uncertain significance. Last evaluated: 2023-04-09. Review status: criteria provided, single submitter. Criteria: Invitae Variant Classification Sherloc (09022015). Collection method: clinical testing. Allele origin: germline.
Comment: This sequence change replaces proline, which is neutral and non-polar, with alanine, which is neutral and non-polar, at codon 434 of the KMT2B protein (p.Pro434Ala). In summary, the available evidence is currently insufficient to determine the role of this variant in disease. Therefore, it has been classified as a Variant of Uncertain Significance. Advanced modeling of protein sequence and biophysical properties (such as structural, functional, and spatial information, amino acid conservation, physicochemical variation, residue mobility, and thermodynamic stability) performed at Invitae indicates that this missense variant is not expected to disrupt KMT2B protein function. This variant has not been reported in the literature in individuals affected with KMT2B-related conditions. This variant is present in population databases (no rsID available, gnomAD 0.007%).